The following is an entry in ClinVar:

NM_005633.4(SOS1):c.1946A>C (p.Glu649Ala)

Gene: SOS1 (SOS Ras/Rac guanine nucleotide exchange factor 1; minus strand). Cytogenetic location: 2p22.1.
Variant type: single nucleotide variant.
Coding change: c.1946A>C on transcript NM_005633.4 (MANE Select); coding-DNA position 1946, A replaced by C.
Protein change: p.Glu649Ala; replaces glutamic acid 649 with alanine.
Molecular consequence: missense variant.
Genome position (GRCh38, 1-based): chr2:39,013,984, T>G on the plus strand (A>C on the coding strand, the complement: SOS1 is on the minus strand). VCF-style: chr2-39013984-T-G. GRCh37 (hg19) VCF-style: chr2-39241125-T-G.
Other names: p.Glu649Ala; c.1925A>C, p.Glu642Ala (NM_001382394.1); c.1946A>C, p.Glu649Ala (NM_001382395.1); short protein forms E642A, E649A.
Identifiers: ClinVar variation 3380797 (VCV003380797.1).
Genomic context (GRCh38, chr2:39,013,984, plus strand): 5'-GGTTGATCTCCATTCTCTATAGCTATGCGATCAGCTTCTGTTGGCTCAGGCTCTGGAATT[T>G]CAAACCTAACATAAAATAGAACAAATTAATGAAAAGACTAATTATATCGAGTTATACAAA-3'
Protein context (NP_005624.2, residues 639-659): ELLSLIIERF[Glu649Ala]IPEPEPTEAD

ClinVar aggregate classification (germline): Uncertain significance (1 of 4 stars; one submission).

Submission:

Mayo Clinic Laboratories, Mayo Clinic
Classification: Uncertain significance. Last evaluated: 2024-07-22. Review status: criteria provided, single submitter. Criteria: ACMG Guidelines, 2015. Collection method: clinical testing. Allele origin: germline. Observed: 1 variant allele.
Comment: BP4, PP2, PM2